The following is an entry in ClinVar:

NC_000001.10:g.(218520390_218578510)_(218617962_?)del

Gene: TGFB2 (transforming growth factor beta 2; plus strand). Cytogenetic location: 1q41.
Variant type: Deletion.
Identifiers: ClinVar variation 4688265 (VCV004688265.1).

ClinVar aggregate classification (germline): Pathogenic (1 of 4 stars; one submission).

Conditions:
Familial aortopathy. Identifiers: MedGen CN078214.

Submission:

Women's Health and Genetics/Laboratory Corporation of America, LabCorp
Classification: Pathogenic for Familial aortopathy. Last evaluated: 2025-12-16. Review status: criteria provided, single submitter. Criteria: LabCorp Variant Classification Summary - May 2015. Collection method: clinical testing. Allele origin: germline.
Comment: Variant summary: The variant involves the deletion of exons 2-7 in the TGFB2 gene. A presumed nomenclature of c.(346+1_347-1)_(*3258_?)del has been designated for the purposes of this classification. The exact breakpoint at the distal 3' end of this variant is unknown, therefore this deletion may extend downstream of the annotated region of the gene. As it encompasses the termination codon, it is predicted to escape nonsense mediated decay (NMD). Loss-of-function variants in this gene are known to be pathogenic. The variant was absent in 21694 control chromosomes. To our knowledge, no occurrence of c.(346+1_347-1)_(*3258_?)del in individuals affected with TGFB2-related conditions and no experimental evidence demonstrating its impact on protein function have been reported. A missense variant located within the deleted region has been classified as Pathogenic by our laboratory (c.896G>A, p.Arg299Gln), suggesting that loss of this region of the protein is deleterious. ClinVar contains an entry for this variant (Variation ID: 830427). Based on the evidence outlined above, the variant was classified as pathogenic.